The following is an entry in ClinVar:

NM_020338.4(ZMIZ1):c.185G>A (p.Arg62Gln)

Gene: ZMIZ1 (zinc finger MIZ-type containing 1; plus strand). Cytogenetic location: 10q22.3.
Variant type: single nucleotide variant.
Coding change: c.185G>A on transcript NM_020338.4 (MANE Select); coding-DNA position 185, G replaced by A.
Protein change: p.Arg62Gln; replaces arginine 62 with glutamine.
Molecular consequence: missense variant.
Genome position (GRCh38, 1-based): chr10:79,216,179, G>A. VCF-style: chr10-79216179-G-A. GRCh37 (hg19) VCF-style: chr10-80975936-G-A.
Other names: c.185G>A (NM_020338.3); short protein forms R62Q.
Identifiers: ClinVar variation 3626576 (VCV003626576.3).

ClinVar aggregate classification (germline): Uncertain significance. Review status: criteria provided, multiple submitters, no conflicts (2 of 4 stars). 2 submissions from 2 submitters: Uncertain significance (2). Last evaluated 2025-10-18.

Conditions:
Inborn genetic diseases. Identifiers: MedGen C0950123, MeSH D030342.

Submissions (2):

Ambry Genetics
Classification: Uncertain significance for Inborn genetic diseases. Last evaluated: 2025-10-18. Review status: criteria provided, single submitter. Criteria: Ambry Variant Classification Scheme 2023. Collection method: clinical testing. Allele origin: germline.

Labcorp Genetics (formerly Invitae), Labcorp
Classification: Uncertain significance. Last evaluated: 2024-04-17. Review status: criteria provided, single submitter. Criteria: Invitae Variant Classification Sherloc (09022015). Collection method: clinical testing. Allele origin: germline.
Comment: This sequence change replaces arginine, which is basic and polar, with glutamine, which is neutral and polar, at codon 62 of the ZMIZ1 protein (p.Arg62Gln). This variant is present in population databases (rs527777383, gnomAD 0.03%). This variant has not been reported in the literature in individuals affected with ZMIZ1-related conditions. An algorithm developed to predict the effect of missense changes on protein structure and function (PolyPhen-2) suggests that this variant is likely to be tolerated. In summary, the available evidence is currently insufficient to determine the role of this variant in disease. Therefore, it has been classified as a Variant of Uncertain Significance.